The following is an entry in ClinVar:

ClinVar aggregate classification (germline): Pathogenic. Review status: criteria provided, single submitter (1 of 4 stars). 3 submissions from 3 submitters: Pathogenic (1). 2 of the submissions do not count toward it. Last evaluated 2025-09-08.

Conditions:
Charcot-Marie-Tooth disease, type I (CMT1). Also called: Charcot-Marie-Tooth, Type 1; Charcot-Marie-Tooth disease type 1. Identifiers: Orphanet 65753, MedGen C0751036, MONDO:0019011.
Charcot-Marie-Tooth disease type 2J (CMT2J). Also called: CHARCOT-MARIE-TOOTH DISEASE, TYPE 2, WITH HEARING LOSS AND PUPILLARY ABNORMALITIES; CHARCOT-MARIE-TOOTH NEUROPATHY, TYPE 2J; CHARCOT-MARIE-TOOTH DISEASE, AXONAL, TYPE 2J. Identifiers: Orphanet 99943, MedGen C1843153, MONDO:0011903, OMIM 607736.
Charcot-Marie-Tooth disease type 1B. Also called: HEREDITARY MOTOR AND SENSORY NEUROPATHY I; HEREDITARY MOTOR AND SENSORY NEUROPATHY IB; CHARCOT-MARIE-TOOTH DISEASE, AUTOSOMAL DOMINANT, WITH FOCALLY FOLDED MYELIN SHEATHS, TYPE 1B; CHARCOT-MARIE-TOOTH DISEASE, SLOW NERVE CONDUCTION TYPE, LINKED TO DUFFY; CHARCOT-MARIE-TOOTH NEUROPATHY, TYPE 1B; Charcot-Marie-Tooth disease, demyelinating, type 1b. Identifiers: Orphanet 101082, MedGen C0270912, MONDO:0007307, OMIM 118200.

Submissions (3):

Labcorp Genetics (formerly Invitae), Labcorp
Classification: Pathogenic for Charcot-Marie-Tooth disease, type I. Last evaluated: 2025-09-08. Review status: criteria provided, single submitter. Criteria: Invitae Variant Classification Sherloc (09022015). Collection method: clinical testing. Allele origin: germline.
Comment: This sequence change replaces aspartic acid, which is acidic and polar, with valine, which is neutral and non-polar, at codon 75 of the MPZ protein (p.Asp75Val). This variant is not present in population databases (gnomAD no frequency). This missense change has been observed in individuals with Charcot-Marie-Tooth disease (PMID: 11080237, 12402337). ClinVar contains an entry for this variant (Variation ID: 14184). An algorithm developed to predict the effect of missense changes on protein structure and function (PolyPhen-2) suggests that this variant is likely to be disruptive. Experimental studies have shown that this missense change affects MPZ function (PMID: 20461396). For these reasons, this variant has been classified as Pathogenic.

OMIM
Classification: Pathogenic for CHARCOT-MARIE-TOOTH DISEASE, TYPE 2J. Last evaluated: 2000-12-01. Review status: no assertion criteria provided. Collection method: literature only. Allele origin: germline. Not counted in ClinVar's aggregate classification.

GeneReviews
No classification provided. Condition: Charcot-Marie-Tooth disease type 1B. Review status: no classification provided. Collection method: literature only. Allele origin: germline. Affected: yes. Not counted in ClinVar's aggregate classification.

Literature cited by the submitters: PubMed 11080237 (cited by Labcorp Genetics (formerly Invitae), Labcorp and OMIM); PubMed 12402337 (cited by Labcorp Genetics (formerly Invitae), Labcorp); PubMed 20461396 (cited by Labcorp Genetics (formerly Invitae), Labcorp); NCBI Bookshelf NBK1205 (cited by GeneReviews).

NM_000530.8(MPZ):c.224A>T (p.Asp75Val)

Gene: MPZ (myelin protein zero; minus strand). Cytogenetic location: 1q23.3.
Variant type: single nucleotide variant.
Coding change: c.224A>T on transcript NM_000530.8 (MANE Select); coding-DNA position 224, A replaced by T.
Protein change: p.Asp75Val; replaces aspartic acid 75 with valine.
Molecular consequence: missense variant.
Genome position (GRCh38, 1-based): chr1:161,307,268, T>A on the plus strand (A>T on the coding strand, the complement: MPZ is on the minus strand). VCF-style: chr1-161307268-T-A. GRCh37 (hg19) VCF-style: chr1-161277058-T-A.
Other names: c.224A>T, p.Asp75Val (LRG_256t1, NM_001315491.2); short protein forms D75V.
Identifiers: ClinVar variation 14184 (VCV000014184.12), dbSNP rs121913597, ClinGen allele CA257160.
Genomic context (GRCh38, chr1:161,307,268, plus strand): 5'-CTTTGAAGCACTTTCTGTTATCCAACCCCAGGATTCCCCCAGGCACTCACCGAAATGGCA[T>A]CTCTGCCCCCTTCGGGCTGGTAGCGCCAGGTGAAGGAGATGTCATCTGAGACCCACTCAC-3'
Protein context (NP_000521.2, residues 65-85): TWRYQPEGGR[Asp75Val]AISIFHYAKG